The following is an entry in ClinVar:

NM_000419.5(ITGA2B):c.2150T>C (p.Leu717Pro)

Gene: ITGA2B (integrin subunit alpha 2b; minus strand). Cytogenetic location: 17q21.31.
Variant type: single nucleotide variant.
Coding change: c.2150T>C on transcript NM_000419.5 (MANE Select); coding-DNA position 2150, T replaced by C.
Protein change: p.Leu717Pro; replaces leucine 717 with proline.
Molecular consequence: missense variant.
Genome position (GRCh38, 1-based): chr17:44,377,735, A>G on the plus strand (T>C on the coding strand, the complement: ITGA2B is on the minus strand). VCF-style: chr17-44377735-A-G. GRCh37 (hg19) VCF-style: chr17-42455103-A-G.
Other names: NM_000419.5:c.2150T>C; short protein forms L717P.
Identifiers: ClinVar variation 1691477 (VCV001691477.5), dbSNP rs2143447451, ClinGen allele CA399799004.

ClinVar aggregate classification (germline): Likely pathogenic. Review status: reviewed by expert panel (3 of 4 stars). 2 submissions from 2 submitters: Likely pathogenic (1). 1 of the submissions does not count toward it. Last evaluated 2025-02-18.

Conditions:
Glanzmann thrombasthenia. Also called: PLATELET GLYCOPROTEIN IIb-IIIa DEFICIENCY; THROMBASTHENIA OF GLANZMANN AND NAEGELI; Glanzmann's thrombasthenia; Thrombasthenia. Identifiers: Orphanet 849, MedGen C0040015, MONDO:0100326.
Glanzmann thrombasthenia 1 (GT1). Also called: BLEEDING DISORDER, PLATELET-TYPE, 2; GP IIb-IIIa COMPLEX DEFICIENCY; GLYCOPROTEIN COMPLEX IIb-IIIa DEFICIENCY; PLATELET FIBRINOGEN RECEPTOR DEFICIENCY. Identifiers: MedGen CN300358, MONDO:0031332, OMIM 273800.

Submissions (2):

ClinGen Platelet Disorders Variant Curation Expert Panel, ClinGen
Classification: Likely pathogenic for Glanzmann thrombasthenia. Last evaluated: 2025-02-18. Review status: reviewed by expert panel. Criteria: ClinGen Platelet ACMG Specifications v2-1. Collection method: curation. Allele origin: germline. Inheritance: Autosomal recessive inheritance.
Comment: The NM_000419.5:c.2150T>C variant in ITGA2B is a missense variant predicted to cause substitution of leucine by proline at amino acid 717 (p.Leu717Pro). This variant has been observed in compound heterozygosity in one individual (reported via personal communication with Dr. Jose Rivera, Servicio de Hematologıa y Oncologıa Medica, Hospital Universitario Morales Meseguer, Centro Regional de Hemodonacion, Universidad de Murcia) in combination with ITGA2B variant c.337C>T (p.Gln113Ter, classified as pathogenic by the Platelet Disorders VCEP, trans phase not confirmed) (PM3_Supporting). This individual displayed mucocutaneous bleeding and impaired aggregation with all agonists except ristocetin, which is highly specific for Glanzmann thrombasthenia. Additionally, αIIbβ3 surface expression was absent, as measured by flow cytometry and Western blot, and ITGA2B and ITGB3 were sequenced across all exons and intron/exon boundaries (PP4_Strong). This variant is absent from gnomAD v4.1 (PM2_Supporting). In summary this variant meets criteria to be classified as Likely Pathogenic for autosomal recessive Glanzmann Thrombasthenia based on the ACMG/AMP criteria applied, as specified by the ClinGen PD VCEP: PP4_Strong, PM2_Supporting, PM3_Supporting. (VCEP specifications version 2)

ISTH-SSC Genomics in Thrombosis and Hemostasis, KU Leuven, Center for Molecular and Vascular Biology
Classification: Uncertain significance for Glanzmann thrombasthenia 1. Review status: criteria provided, single submitter. Criteria: ACMG Guidelines, 2015. Collection method: clinical testing. Allele origin: germline. Affected: yes. Observed: 1 hemizygote. Not counted in ClinVar's aggregate classification.
Comment: Submitted to GoldVariant by Jose María Bastida and José Rivera; Grupo Español de Alteraciones Plaquetarias Congénitas (GEAPC)